The following is an entry in ClinVar:

NM_000059.4(BRCA2):c.9649-6del

Gene: BRCA2 (BRCA2 DNA repair associated; plus strand). Cytogenetic location: 13q13.1.
Variant type: Deletion.
Coding change: c.9649-6del on transcript NM_000059.4 (MANE Select); 6 bases into the intron before coding-DNA position 9649, one base deleted (T; older notation c.9649-6delT).
Molecular consequence: intron variant.
Genome position (GRCh38, 1-based): chr13:32,398,156, T deleted; the last of 7 consecutive T bases (chr13:32,398,150-32,398,156); deleting any one gives the same sequence. VCF-style (leftmost placement, unchanged base first): chr13-32398149-AT-A. GRCh37 (hg19) VCF-style: chr13-32972286-AT-A.
Other names: IVS26-6delT; c.9649-6delT (NM_000059.3, NM_000059.4).
Identifiers: ClinVar variation 96886 (VCV000096886.15), dbSNP rs276174929, ClinGen allele CA026255.

ClinVar aggregate classification (germline): Likely benign. Review status: criteria provided, multiple submitters, no conflicts (2 of 4 stars). 4 submissions from 4 submitters: Likely benign (3). 1 of the submissions does not count toward it. Last evaluated 2025-12-03.

Conditions:
Hereditary cancer-predisposing syndrome. Also called: Hereditary Cancer Syndrome; Neoplastic Syndromes, Hereditary; Hereditary neoplastic syndrome; Tumor predisposition. Identifiers: Orphanet 140162, MedGen C0027672, MeSH D009386, MONDO:0015356.
Hereditary breast ovarian cancer syndrome. Also called: Breast and ovarian cancer; Hereditary breast and/or ovarian cancer syndrome; Hereditary breast and ovarian cancer; Hereditary breast and ovarian cancer syndrome; Hereditary breast and ovarian cancer syndrome (HBOC); BRCA1- and BRCA2-Associated Hereditary Breast and Ovarian Cancer. Identifiers: Orphanet 145, MedGen C0677776, MeSH D061325, MONDO:0003582. Disease mechanism: loss of function.
Breast-ovarian cancer, familial, susceptibility to, 2 (BROVCA2). Also called: BRCA2 Hereditary Breast and Ovarian Cancer. Identifiers: Orphanet 145, MedGen C2675520, MONDO:0012933, OMIM 612555. Disease mechanism: loss of function.

Submissions (4):

Labcorp Genetics (formerly Invitae), Labcorp
Classification: Likely benign for Hereditary breast ovarian cancer syndrome. Last evaluated: 2025-12-03. Review status: criteria provided, single submitter. Criteria: Invitae Variant Classification Sherloc (09022015). Collection method: clinical testing. Allele origin: germline.

Color Diagnostics, LLC DBA Color Health
Classification: Likely benign for Hereditary cancer-predisposing syndrome. Last evaluated: 2025-08-26. Review status: criteria provided, single submitter. Criteria: ACMG Guidelines, 2015. Collection method: clinical testing. Allele origin: germline.

Women's Health and Genetics/Laboratory Corporation of America, LabCorp
Classification: Likely benign. Last evaluated: 2025-04-16. Review status: criteria provided, single submitter. Criteria: LabCorp Variant Classification Summary - May 2015. Collection method: clinical testing. Allele origin: germline.
Comment: Variant summary: BRCA2 c.9649-6delT alters a nucleotide located at a position not widely known to affect splicing. Consensus agreement among computation tools predict no significant impact on normal splicing. However, these predictions have yet to be confirmed by functional studies. The frequency data for this variant in gnomAD is considered unreliable, as metrics indicate poor data quality at this position. To our knowledge, no occurrence of c.9649-6delT in individuals affected with Hereditary Breast And Ovarian Cancer Syndrome and no experimental evidence demonstrating its impact on protein function have been reported. ClinVar contains an entry for this variant (Variation ID: 96886). Based on the evidence outlined above, the variant was classified as likely benign.

Sharing Clinical Reports Project (SCRP)
Classification: Uncertain significance for Breast-ovarian cancer, familial 2. Last evaluated: 2012-01-25. Review status: no assertion criteria provided. Collection method: clinical testing. Allele origin: germline. Not counted in ClinVar's aggregate classification.